The following is an entry in ClinVar:

ClinVar aggregate classification (germline): Conflicting classifications of pathogenicity. Review status: criteria provided, conflicting classifications (1 of 4 stars). 6 submissions from 4 submitters: Uncertain significance (2); Benign (2); Likely benign (2). Last evaluated 2025-11-11.

Conditions:
Retinitis pigmentosa (RP). Identifiers: Orphanet 791, MedGen C0035334, MeSH D012174, MONDO:0019200, OMIM 268000. Inheritance: Autosomal dominant, autosomal recessive and X linked inheritance.
Leber congenital amaurosis 8 (LCA8). Identifiers: Orphanet 65, MedGen C3151202, MONDO:0013453, OMIM 613835.
Retinal dystrophy. Also called: Inherited retinal dystrophy. Identifiers: Orphanet 71862, MedGen C0854723, MeSH D058499, MONDO:0019118, HP:0000556.
Retinitis pigmentosa 12 (RP12). Also called: RP WITH OR WITHOUT PRESERVED PARAARTERIOLE RETINAL PIGMENT EPITHELIUM; RETINITIS PIGMENTOSA WITH OR WITHOUT PARAARTERIOLAR PRESERVATION OF RETINAL PIGMENT EPITHELIUM; RP WITH OR WITHOUT PPRPE. Identifiers: Orphanet 791, MedGen C1838647, MONDO:0010818, OMIM 600105.
Pigmented paravenous retinochoroidal atrophy. Identifiers: Orphanet 251295, MedGen C1868310, MONDO:0008246, OMIM 172870.

Allele frequency attached by ClinVar (database versions not stated): gnomAD exomes 0.00004 and 0.00018; gnomAD 0.00005 and 0.00007; ExAC 0.00012; TOPMed 0.00014.
gnomAD v4.1: 68 of 1,613,964 alleles (0.0042%); highest among the groups gnomAD compares: East Asian, 0.14%; 1 homozygote.

Submissions (6):

Labcorp Genetics (formerly Invitae), Labcorp
Classification: Benign for Leber congenital amaurosis 8; Retinitis pigmentosa 12. Last evaluated: 2025-11-11. Review status: criteria provided, single submitter. Criteria: Invitae Variant Classification Sherloc (09022015). Collection method: clinical testing. Allele origin: germline.

Blueprint Genetics
Classification: Likely benign. Last evaluated: 2024-05-07. Review status: criteria provided, single submitter. Criteria: ACMG Guidelines, 2015. Collection method: clinical testing. Allele origin: germline.

Dept Of Ophthalmology, Nagoya University
Classification: Likely benign for Retinal dystrophy. Last evaluated: 2023-10-01. Review status: criteria provided, single submitter. Criteria: Submitter's publication. Collection method: research. Allele origin: germline. Affected: yes.

Illumina Laboratory Services, Illumina
Classification: Uncertain significance for Leber congenital amaurosis 8. Last evaluated: 2018-01-13. Review status: criteria provided, single submitter. Criteria: ICSL Variant Classification Criteria 13 December 2019. Collection method: clinical testing. Allele origin: germline.

Illumina Laboratory Services, Illumina
Classification: Uncertain significance for Retinitis pigmentosa. Last evaluated: 2018-01-13. Review status: criteria provided, single submitter. Criteria: ICSL Variant Classification Criteria 13 December 2019. Collection method: clinical testing. Allele origin: germline.

Illumina Laboratory Services, Illumina
Classification: Benign for Pigmented paravenous retinochoroidal atrophy. Last evaluated: 2018-01-13. Review status: criteria provided, single submitter. Criteria: ICSL Variant Classification Criteria 13 December 2019. Collection method: clinical testing. Allele origin: germline.
Comment: This variant was observed in the ICSL laboratory as part of a predisposition screen in an ostensibly healthy population. It had not been previously curated by ICSL or reported in the Human Gene Mutation Database (HGMD: prior to June 1st, 2018), and was therefore a candidate for classification through an automated scoring system. Utilizing variant allele frequency, disease prevalence and penetrance estimates, and inheritance mode, an automated score was calculated to assess if this variant is too frequent to cause the disease. Based on the score and internal cut-off values, a variant classified as benign is not then subjected to further curation. The score for this variant resulted in a classification of benign for this disease.

NM_201253.3(CRB1):c.3228T>C (p.Asp1076=)

Gene: CRB1 (crumbs cell polarity complex component 1; plus strand). Cytogenetic location: 1q31.3.
Variant type: single nucleotide variant.
Coding change: c.3228T>C on transcript NM_201253.3 (MANE Select); coding-DNA position 3228, T replaced by C.
Protein change: p.Asp1076=; no amino-acid change (aspartic acid 1076 retained).
Molecular consequence: synonymous variant. On other transcripts: non-coding transcript variant (2), intron variant (1).
Genome position (GRCh38, 1-based): chr1:197,435,091, T>C. VCF-style: chr1-197435091-T-C. GRCh37 (hg19) VCF-style: chr1-197404221-T-C.
Other names: c.2892T>C, p.Asp964= (NM_001193640.2); c.3156T>C, p.Asp1052= (NM_001257965.2); c.2129-509T>C (NM_001257966.2).
Identifiers: ClinVar variation 294686 (VCV000294686.17), dbSNP rs780576185, ClinGen allele CA1312297.